The following is an entry in ClinVar:

ClinVar aggregate classification (germline): Uncertain significance (1 of 4 stars; one submission).

Allele frequency attached by ClinVar (database versions not stated): TOPMed 0.00001; gnomAD 0.00001.
gnomAD v4.1: 4 of 1,613,216 alleles (0.00025%); highest among the groups gnomAD compares: African/African-American, 0.0013%; no homozygotes.

Submission:

Labcorp Genetics (formerly Invitae), Labcorp
Classification: Uncertain significance. Last evaluated: 2025-06-19. Review status: criteria provided, single submitter. Criteria: Invitae Variant Classification Sherloc (09022015). Collection method: clinical testing. Allele origin: germline.
Comment: This sequence change replaces phenylalanine, which is neutral and non-polar, with leucine, which is neutral and non-polar, at codon 217 of the ITM2B protein (p.Phe217Leu). This variant is present in population databases (no rsID available, gnomAD 0.01%). This variant has not been reported in the literature in individuals affected with ITM2B-related conditions. ClinVar contains an entry for this variant (Variation ID: 2903257). Invitae Evidence Modeling of protein sequence and biophysical properties (such as structural, functional, and spatial information, amino acid conservation, physicochemical variation, residue mobility, and thermodynamic stability) indicates that this missense variant is not expected to disrupt ITM2B protein function with a negative predictive value of 80%. In summary, the available evidence is currently insufficient to determine the role of this variant in disease. Therefore, it has been classified as a Variant of Uncertain Significance.

NM_021999.5(ITM2B):c.651C>G (p.Phe217Leu)

Gene: ITM2B (integral membrane protein 2B; plus strand). Cytogenetic location: 13q14.2.
Variant type: single nucleotide variant.
Coding change: c.651C>G on transcript NM_021999.5 (MANE Select); coding-DNA position 651, C replaced by G.
Protein change: p.Phe217Leu; replaces phenylalanine 217 with leucine.
Molecular consequence: missense variant.
Genome position (GRCh38, 1-based): chr13:48,258,883, C>G. VCF-style: chr13-48258883-C-G. GRCh37 (hg19) VCF-style: chr13-48833019-C-G.
Other names: short protein forms F217L.
Identifiers: ClinVar variation 2903257 (VCV002903257.3), dbSNP rs1048587576, ClinGen allele CA249837318.